The following is an entry in ClinVar:

NM_020778.5(ALPK3):c.183-3T>G

Gene: ALPK3 (alpha kinase 3; plus strand). Cytogenetic location: 15q25.3.
Variant type: single nucleotide variant.
Coding change: c.183-3T>G on transcript NM_020778.5 (MANE Select); 3 bases into the intron before coding-DNA position 183, T replaced by G.
Molecular consequence: intron variant.
Genome position (GRCh38, 1-based): chr15:84,827,481, T>G. VCF-style: chr15-84827481-T-G. GRCh37 (hg19) VCF-style: chr15-85370712-T-G.
Identifiers: ClinVar variation 2704143 (VCV002704143.3), dbSNP rs2505697154, ClinGen allele CA2697549271.

ClinVar aggregate classification (germline): Uncertain significance (1 of 4 stars; one submission).

Submission:

Labcorp Genetics (formerly Invitae), Labcorp
Classification: Uncertain significance. Last evaluated: 2023-12-19. Review status: criteria provided, single submitter. Criteria: Invitae Variant Classification Sherloc (09022015). Collection method: clinical testing. Allele origin: germline.
Comment: This sequence change falls in intron 2 of the ALPK3 gene. It does not directly change the encoded amino acid sequence of the ALPK3 protein. It affects a nucleotide within the consensus splice site. This variant is not present in population databases (gnomAD no frequency). This variant has not been reported in the literature in individuals affected with ALPK3-related conditions. Variants that disrupt the consensus splice site are a relatively common cause of aberrant splicing (PMID: 17576681, 9536098). Algorithms developed to predict the effect of sequence changes on RNA splicing suggest that this variant may disrupt the consensus splice site. In summary, the available evidence is currently insufficient to determine the role of this variant in disease. Therefore, it has been classified as a Variant of Uncertain Significance.

Literature cited by the submitters: PubMed 17576681; PubMed 9536098.